The following is an entry in ClinVar:

NM_000051.4(ATM):c.5763-17_5770del

Genes: ATM (ATM serine/threonine kinase; plus strand), C11orf65 (chromosome 11 open reading frame 65; minus strand). Cytogenetic location: 11q22.3.
Variant type: Deletion.
Coding change: c.5763-17_5770del on transcript NM_000051.4 (MANE Select); 17 bases into the intron before coding-DNA position 5763 through coding-DNA position 5770, 25 bases deleted (ATCTCATTTTTCTTTAGACCTTCTT).
Molecular consequence: splice acceptor variant. On other transcripts: intron variant (2).
Genome position (GRCh38, 1-based): chr11:108,310,143-108,310,167, ATCTCATTTTTCTTTAGACCTTCTT deleted; deleting any 25 consecutive bases within chr11:108,310,142-108,310,167 gives the same sequence; the c. name uses the placement nearest the transcript's 3' end. VCF-style (leftmost placement, unchanged base first): chr11-108310141-ATATCTCATTTTTCTTTAGACCTTCT-A. GRCh37 (hg19) VCF-style: chr11-108180868-ATATCTCATTTTTCTTTAGACCTTCT-A.
Other names: c.5763-17_5770del (NM_001351834.2); c.641-1095_641-1071del (NM_001330368.2); c.*39-1095_*39-1071del (NM_001351110.2).
Identifiers: ClinVar variation 4734558 (VCV004734558.1).

ClinVar aggregate classification (germline): Likely pathogenic (1 of 4 stars; one submission).

Conditions:
Ataxia-telangiectasia syndrome (AT). Also called: Ataxia-telangiectasia, complementation group D; AT, COMPLEMENTATION GROUP C; ATAXIA-TELANGIECTASIA, COMPLEMENTATION GROUP A; ATAXIA-TELANGIECTASIA, FRESNO VARIANT; Ataxia-telangiectasia; Ataxia-telangiectasia, complementation group E. Identifiers: Orphanet 100, MedGen C0004135, MONDO:0008840, OMIM 208900.

Submission:

Labcorp Genetics (formerly Invitae), Labcorp
Classification: Likely pathogenic for Ataxia-telangiectasia syndrome. Last evaluated: 2026-01-01. Review status: criteria provided, single submitter. Criteria: Invitae Variant Classification Sherloc (09022015). Collection method: clinical testing. Allele origin: germline.
Comment: This variant results in the deletion of part of exon 39 (c.5763-17_5770del) of the ATM gene. It is expected to disrupt RNA splicing. Variants that disrupt the donor or acceptor splice site typically lead to a loss of protein function (PMID: 16199547), and loss-of-function variants in ATM are known to be pathogenic (PMID: 23807571, 25614872). This variant is not present in population databases (gnomAD no frequency). This variant has not been reported in the literature in individuals affected with ATM-related conditions. In summary, the currently available evidence indicates that the variant is pathogenic, but additional data are needed to prove that conclusively. Therefore, this variant has been classified as Likely Pathogenic.

Literature cited by the submitters: PubMed 16199547; PubMed 23807571; PubMed 25614872.